The following is an entry in ClinVar:

ClinVar aggregate classification (germline): Likely benign. Review status: reviewed by expert panel (3 of 4 stars). 10 submissions from 10 submitters: Likely benign (1). 9 of the submissions do not count toward it. Last evaluated 2023-08-17.

Conditions:
CDH1-related disorder. Also called: CDH1-related condition.
CDH1-related diffuse gastric and lobular breast cancer syndrome. Also called: CDH1-related diffuse gastric and lobular breast cancer. Identifiers: MedGen CN311521, MONDO:0100488.
Hereditary cancer-predisposing syndrome. Also called: Tumor predisposition; Hereditary neoplastic syndrome; Neoplastic Syndromes, Hereditary; Hereditary Cancer Syndrome. Identifiers: Orphanet 140162, MedGen C0027672, MeSH D009386, MONDO:0015356.
Hereditary diffuse gastric adenocarcinoma (HDGC). Also called: DIFFUSE GASTRIC AND LOBULAR BREAST CANCER SYNDROME. Identifiers: Orphanet 26106, MedGen C1708349, MONDO:0007648, OMIM 137215.

Allele frequency attached by ClinVar (database versions not stated): gnomAD exomes 0.00001; ESP Exome Variant Server 0.00008; TOPMed 0.00009.
gnomAD v4.1: 16 of 1,614,076 alleles (0.00099%); highest among the groups gnomAD compares: African/African-American, 0.012%; no homozygotes.

Submissions (10):

Clingen Gastric Cancer Variant Curation Expert Panel
Classification: Likely benign for CDH1-related diffuse gastric and lobular breast cancer syndrome. Last evaluated: 2023-08-17. Review status: reviewed by expert panel. Criteria: ClinGen CDH1 ACMG Specifications V3.1. Collection method: curation. Allele origin: germline. Inheritance: Autosomal dominant inheritance.
Comment: The c.1416C>T variant has been observed in >10 without a diagnosis of diffuse gastric cancer, signet ring tumor or lobular breast cancer and whose family histories do not suggest HDGC (BS2; internal laboratory contributors). There are at least 3 in silico predictors in agreement that this variant does not affect splicing (BP4), and the nucleotide is not conserved (BP7). Therefore, the clinical significance of this variant is likely benign. ACMG/AMP criteria applied, as specified by the CDH1 Variant Curation Expert Panel (Variant Interpretation Guidelines Version 3.1): BS2, BP4, BP7.

Labcorp Genetics (formerly Invitae), Labcorp
Classification: Likely benign for Hereditary diffuse gastric adenocarcinoma. Last evaluated: 2025-11-20. Review status: criteria provided, single submitter. Criteria: Invitae Variant Classification Sherloc (09022015). Collection method: clinical testing. Allele origin: germline. Not counted in ClinVar's aggregate classification.

Myriad Genetics, Inc.
Classification: Benign for Hereditary diffuse gastric adenocarcinoma. Last evaluated: 2023-03-06. Review status: criteria provided, single submitter. Criteria: Myriad Autosomal Dominant, Autosomal Recessive and X-Linked Classification Criteria (2023). Collection method: clinical testing. Allele origin: unknown. Not counted in ClinVar's aggregate classification.
Comment: This variant is considered benign. This variant is a silent/synonymous amino acid change and it is not expected to impact splicing.

Women's Health and Genetics/Laboratory Corporation of America, LabCorp
Classification: Likely benign. Last evaluated: 2019-08-28. Review status: criteria provided, single submitter. Criteria: LabCorp Variant Classification Summary - May 2015. Collection method: clinical testing. Allele origin: germline. Not counted in ClinVar's aggregate classification.

Mendelics
Classification: Likely benign for Hereditary diffuse gastric adenocarcinoma. Last evaluated: 2019-05-28. Review status: criteria provided, single submitter. Criteria: Mendelics Assertion Criteria 2017. Collection method: clinical testing. Allele origin: unknown. Not counted in ClinVar's aggregate classification.

Color Diagnostics, LLC DBA Color Health
Classification: Likely benign for Hereditary cancer-predisposing syndrome. Last evaluated: 2015-12-09. Review status: criteria provided, single submitter. Criteria: ACMG Guidelines, 2015. Collection method: clinical testing. Allele origin: germline. Not counted in ClinVar's aggregate classification.

GeneDx
Classification: Benign. Last evaluated: 2015-03-06. Review status: criteria provided, single submitter. Criteria: GeneDx Variant Classification (06012015). Collection method: clinical testing. Allele origin: germline. Affected: yes. Not counted in ClinVar's aggregate classification.
Comment: This variant is considered likely benign or benign based on one or more of the following criteria: it is a conservative change, it occurs at a poorly conserved position in the protein, it is predicted to be benign by multiple in silico algorithms, and/or has population frequency not consistent with disease.

Ambry Genetics
Classification: Likely benign for Hereditary cancer-predisposing syndrome. Last evaluated: 2014-09-29. Review status: criteria provided, single submitter. Criteria: Ambry Variant Classification Scheme 2023. Collection method: clinical testing. Allele origin: germline. Not counted in ClinVar's aggregate classification.

PreventionGenetics, part of Exact Sciences
Classification: Likely benign for CDH1-related condition. Last evaluated: 2021-06-07. Review status: no assertion criteria provided. Collection method: clinical testing. Allele origin: germline. Not counted in ClinVar's aggregate classification.
Comment: This variant is classified as likely benign based on ACMG/AMP sequence variant interpretation guidelines (Richards et al. 2015 PMID: 25741868, with internal and published modifications).

Counsyl
Classification: Likely benign for Hereditary diffuse gastric adenocarcinoma. Last evaluated: 2016-07-11. Review status: no assertion criteria provided. Collection method: clinical testing. Allele origin: unknown. Not counted in ClinVar's aggregate classification.

Literature cited by the submitters: PubMed 24204729 (cited by Ambry Genetics and Counsyl).

NM_004360.5(CDH1):c.1416C>T (p.Thr472=)

Gene: CDH1 (cadherin 1; plus strand). Cytogenetic location: 16q22.1.
Variant type: single nucleotide variant.
Coding change: c.1416C>T on transcript NM_004360.5 (MANE Select); coding-DNA position 1416, C replaced by T.
Protein change: p.Thr472=; no amino-acid change (threonine 472 retained).
Molecular consequence: synonymous variant. On other transcripts: 5 prime UTR variant (2).
Genome position (GRCh38, 1-based): chr16:68,815,610, C>T. VCF-style: chr16-68815610-C-T. GRCh37 (hg19) VCF-style: chr16-68849513-C-T.
Other names: c.1416C>T (LRG_301t1); c.1233C>T, p.Thr411= (NM_001317184.2); c.-133C>T (NM_001317185.2); c.-404C>T (NM_001317186.2).
Identifiers: ClinVar variation 136059 (VCV000136059.26), dbSNP rs139937234, ClinGen allele CA186532.